The following is an entry in ClinVar:

NM_019594.4(LRRC8A):c.129del (p.Thr44fs)

Gene: LRRC8A (leucine rich repeat containing 8 VRAC subunit A; plus strand). Cytogenetic location: 9q34.11.
Variant type: Deletion.
Coding change: c.129del on transcript NM_019594.4 (MANE Select); coding-DNA position 129, one base deleted (G; older notation c.129delG).
Protein change: p.Thr44fs; shifts the reading frame from threonine 44.
Molecular consequence: frameshift variant.
Genome position (GRCh38, 1-based): chr9:128,907,293, G deleted; the last of 6 consecutive G bases (chr9:128,907,288-128,907,293); deleting any one gives the same sequence. VCF-style (leftmost placement, unchanged base first): chr9-128907287-CG-C. GRCh37 (hg19) VCF-style: chr9-131669566-CG-C.
Other names: c.129del, p.Thr44fs (NM_001127244.2, NM_001127245.2); short protein forms T44fs.
Identifiers: ClinVar variation 4765799 (VCV004765799.1).

ClinVar aggregate classification (germline): Uncertain significance (1 of 4 stars; one submission).

Submission:

Labcorp Genetics (formerly Invitae), Labcorp
Classification: Uncertain significance. Last evaluated: 2025-11-05. Review status: criteria provided, single submitter. Criteria: Invitae Variant Classification Sherloc (09022015). Collection method: clinical testing. Allele origin: germline.
Comment: This sequence change creates a premature translational stop signal (p.Thr44Argfs*9) in the LRRC8A gene. It is expected to result in an absent or disrupted protein product. However, the current clinical and genetic evidence is not sufficient to establish whether loss-of-function variants in LRRC8A cause disease. This variant is not present in population databases (gnomAD no frequency). This variant has not been reported in the literature in individuals affected with LRRC8A-related conditions. In summary, the available evidence is currently insufficient to determine the role of this variant in disease. Therefore, it has been classified as a Variant of Uncertain Significance.